The following is an entry in ClinVar:

ClinVar aggregate classification (germline): Uncertain significance (1 of 4 stars; one submission).

Conditions:
Hyperammonemia, type III (NAGSD). Also called: Hyperammonemia due to N-acetylglutamate synthase deficiency. Identifiers: Orphanet 927, MedGen C0268543, MONDO:0009377, OMIM 237310.

Submission:

Labcorp Genetics (formerly Invitae), Labcorp
Classification: Uncertain significance for Hyperammonemia, type III. Last evaluated: 2022-03-16. Review status: criteria provided, single submitter. Criteria: Invitae Variant Classification Sherloc (09022015). Collection method: clinical testing. Allele origin: germline.
Comment: In summary, the available evidence is currently insufficient to determine the role of this variant in disease. Therefore, it has been classified as a Variant of Uncertain Significance. Algorithms developed to predict the effect of missense changes on protein structure and function are either unavailable or do not agree on the potential impact of this missense change (SIFT: "Deleterious"; PolyPhen-2: "Probably Damaging"; Align-GVGD: "Class C0"). This variant has not been reported in the literature in individuals affected with NAGS-related conditions. This variant is not present in population databases (gnomAD no frequency). This sequence change replaces glycine, which is neutral and non-polar, with aspartic acid, which is acidic and polar, at codon 24 of the NAGS protein (p.Gly24Asp).

NM_153006.3(NAGS):c.71G>A (p.Gly24Asp)

Gene: NAGS (N-acetylglutamate synthase; plus strand). Cytogenetic location: 17q21.31.
Variant type: single nucleotide variant.
Coding change: c.71G>A on transcript NM_153006.3 (MANE Select); coding-DNA position 71, G replaced by A.
Protein change: p.Gly24Asp; replaces glycine 24 with aspartic acid.
Molecular consequence: missense variant.
Genome position (GRCh38, 1-based): chr17:44,004,734, G>A. VCF-style: chr17-44004734-G-A. GRCh37 (hg19) VCF-style: chr17-42082102-G-A.
Other names: short protein forms G24D.
Identifiers: ClinVar variation 2113031 (VCV002113031.4), dbSNP rs2509277079, ClinGen allele CA399736711.